The following is an entry in ClinVar:

ClinVar aggregate classification (germline): Conflicting classifications of pathogenicity. Review status: criteria provided, conflicting classifications (1 of 4 stars). 2 submissions from 2 submitters: Uncertain significance (1); Likely benign (1). Last evaluated 2026-01-16.

Allele frequency attached by ClinVar (database versions not stated): ExAC 0.00001.
gnomAD v4.1: 3 of 1,613,734 alleles (0.00019%); highest among the groups gnomAD compares: South Asian, 0.0022%; no homozygotes.

Submissions (2):

Labcorp Genetics (formerly Invitae), Labcorp
Classification: Likely benign. Last evaluated: 2026-01-16. Review status: criteria provided, single submitter. Criteria: Invitae Variant Classification Sherloc (09022015). Collection method: clinical testing. Allele origin: germline.

GeneDx
Classification: Uncertain significance. Last evaluated: 2023-01-06. Review status: criteria provided, single submitter. Criteria: GeneDx Variant Classification Process June 2021. Collection method: clinical testing. Allele origin: germline. Affected: yes.
Comment: In silico analysis supports that this missense variant has a deleterious effect on protein structure/function; Has not been previously published as pathogenic or benign to our knowledge

NM_006766.5(KAT6A):c.5195A>G (p.Tyr1732Cys)

Gene: KAT6A (lysine acetyltransferase 6A; minus strand). Cytogenetic location: 8p11.21.
Variant type: single nucleotide variant.
Coding change: c.5195A>G on transcript NM_006766.5 (MANE Select); coding-DNA position 5195, A replaced by G.
Protein change: p.Tyr1732Cys; replaces tyrosine 1732 with cysteine.
Molecular consequence: missense variant.
Genome position (GRCh38, 1-based): chr8:41,933,025, T>C on the plus strand (A>G on the coding strand, the complement: KAT6A is on the minus strand). VCF-style: chr8-41933025-T-C. GRCh37 (hg19) VCF-style: chr8-41790543-T-C.
Other names: c.5195A>G (NM_006766.3); short protein forms Y1732C.
Identifiers: ClinVar variation 1905160 (VCV001905160.6), dbSNP rs746899278, ClinGen allele CA4729338.